The following is an entry in ClinVar:

ClinVar aggregate classification (germline): Pathogenic (3 of 4 stars; one submission).

Conditions:
Glanzmann thrombasthenia. Also called: PLATELET GLYCOPROTEIN IIb-IIIa DEFICIENCY; BLEEDING DISORDER, PLATELET-TYPE, 2; THROMBASTHENIA OF GLANZMANN AND NAEGELI; Thrombasthenia; Glanzmann's thrombasthenia. Identifiers: Orphanet 849, MedGen C0040015, MONDO:0100326.

Submission:

ClinGen Platelet Disorders Variant Curation Expert Panel, ClinGen
Classification: Pathogenic for Glanzmann thrombasthenia. Last evaluated: 2022-09-20. Review status: reviewed by expert panel. Criteria: ClinGen Platelet ACMG Specifications v2-1. Collection method: curation. Allele origin: germline. Inheritance: Autosomal recessive inheritance.
Comment: The NM_000212.3(ITGB3):c.121C>T (p.Gln41Ter) variant in exon 2/15 is a nonsense variant predicted to lead to nonsense mediated decay in a gene in which loss-of-function is an established disease mechanism (PVS1). It has been reported homozygous (PM3_supporting) in at least one GT proband (patient 3 in PMID: 32089034) who displayed mucocutaneous bleeding and impaired aggregation with all agonists except ristocetin, which is highly specific for Glanzmann thrombasthenia. Additionally, αIIbβ3 surface expression was absent, as measured by flow cytometry (PP4_moderate). This variant is absent from gnomAD v2.1.1 (PM2_Supporting). In summary, based on the available evidence at this time, the variant is classified as pathogenic for GT. GT-specific criteria applied: PVS1, PM2_supporting, PM3_supporting, PP4_moderate.

NM_000212.3(ITGB3):c.121C>T (p.Gln41Ter)

Gene: ITGB3 (integrin subunit beta 3; plus strand). Cytogenetic location: 17q21.32.
Variant type: single nucleotide variant.
Coding change: c.121C>T on transcript NM_000212.3 (MANE Select); coding-DNA position 121, C replaced by T.
Protein change: p.Gln41Ter; replaces glutamine 41 with a stop codon.
Molecular consequence: nonsense.
Genome position (GRCh38, 1-based): chr17:47,274,460, C>T. VCF-style: chr17-47274460-C-T. GRCh37 (hg19) VCF-style: chr17-45351826-C-T.
Other names: NM_000212.3:c.121C>T; short protein forms Q41*.
Identifiers: ClinVar variation 1879027 (VCV001879027.1), dbSNP rs2547613560, ClinGen allele CA400031690.
Genomic context (GRCh38, chr17:47,274,460, plus strand): 5'-CTTTGTCTGTCTGTTGCAGGGCCCAACATCTGTACCACGCGAGGTGTGAGCTCCTGCCAG[C>T]AGTGCCTGGCTGTGAGCCCCATGTGTGCCTGGTGCTCTGATGAGGTAAGGAGCAGATACC-3'